The following is an entry in ClinVar:

ClinVar aggregate classification (germline): Conflicting classifications of pathogenicity. Review status: criteria provided, conflicting classifications (1 of 4 stars). 4 submissions from 4 submitters: Uncertain significance (3); Likely benign (1). Last evaluated 2025-05-21.

Conditions:
Hereditary cancer-predisposing syndrome. Also called: Neoplastic Syndromes, Hereditary; Hereditary Cancer Syndrome; Hereditary neoplastic syndrome; Tumor predisposition. Identifiers: Orphanet 140162, MedGen C0027672, MeSH D009386, MONDO:0015356.
Familial cancer of breast. Also called: BREAST CANCER, FAMILIAL; Hereditary breast cancer; hereditary breast carcinoma. Identifiers: Orphanet 227535, MedGen C0346153, MONDO:0016419, OMIM 114480. Disease mechanism: loss of function.

Allele frequency attached by ClinVar (database versions not stated): gnomAD exomes 0.00001.
gnomAD v4.1: 19 of 1,612,810 alleles (0.0012%); highest among the groups gnomAD compares: Non-Finnish European, 0.0016%; no homozygotes.

Submissions (4):

Labcorp Genetics (formerly Invitae), Labcorp
Classification: Uncertain significance for Familial cancer of breast. Last evaluated: 2025-05-21. Review status: criteria provided, single submitter. Criteria: Invitae Variant Classification Sherloc (09022015). Collection method: clinical testing. Allele origin: germline.
Comment: This sequence change falls in intron 5 of the PALB2 gene. It does not directly change the encoded amino acid sequence of the PALB2 protein. It affects a nucleotide within the consensus splice site. This variant is not present in population databases (gnomAD no frequency). This variant has not been reported in the literature in individuals affected with PALB2-related conditions. ClinVar contains an entry for this variant (Variation ID: 460945). Variants that disrupt the consensus splice site are a relatively common cause of aberrant splicing (PMID: 17576681, 9536098). Algorithms developed to predict the effect of sequence changes on RNA splicing suggest that this variant may disrupt the consensus splice site. In summary, the available evidence is currently insufficient to determine the role of this variant in disease. Therefore, it has been classified as a Variant of Uncertain Significance.

Quest Diagnostics Nichols Institute San Juan Capistrano
Classification: Uncertain significance. Last evaluated: 2024-08-01. Review status: criteria provided, single submitter. Criteria: Quest Diagnostics criteria. Collection method: clinical testing. Allele origin: unknown.
Comment: The PALB2 c.2515-3C>T variant has not been reported in individuals with PALB2-related conditions in the published literature. It also has not been reported in large, multi-ethnic general populations (Genome Aggregation Database). Analysis of this variant using software algorithms for the prediction of the effect of nucleotide changes on splicing yielded predictions that this variant does not affect PALB2 mRNA splicing. Based on the available information, we are unable to determine the clinical significance of this variant.

GeneDx
Classification: Uncertain significance. Last evaluated: 2021-07-27. Review status: criteria provided, single submitter. Criteria: GeneDx Variant Classification Process June 2021. Collection method: clinical testing. Allele origin: germline. Affected: yes.
Comment: Not observed at significant frequency in large population cohorts (Lek 2016); In silico analysis supports that this variant does not alter splicing; Has not been previously published as pathogenic or benign to our knowledge

Ambry Genetics
Classification: Likely benign for Hereditary cancer-predisposing syndrome. Last evaluated: 2019-10-15. Review status: criteria provided, single submitter. Criteria: Ambry Variant Classification Scheme 2023. Collection method: clinical testing. Allele origin: germline.

Literature cited by the submitters: PubMed 17576681 (cited by Labcorp Genetics (formerly Invitae), Labcorp); PubMed 9536098 (cited by Labcorp Genetics (formerly Invitae), Labcorp).

NM_024675.4(PALB2):c.2515-3C>T

Gene: PALB2 (partner and localizer of BRCA2; minus strand). Cytogenetic location: 16p12.2.
Variant type: single nucleotide variant.
Coding change: c.2515-3C>T on transcript NM_024675.4 (MANE Select); 3 bases into the intron before coding-DNA position 2515, C replaced by T.
Molecular consequence: intron variant.
Genome position (GRCh38, 1-based): chr16:23,629,278, G>A on the plus strand (C>T on the coding strand, the complement: PALB2 is on the minus strand). VCF-style: chr16-23629278-G-A. GRCh37 (hg19) VCF-style: chr16-23640599-G-A.
Identifiers: ClinVar variation 460945 (VCV000460945.18), dbSNP rs957106428, ClinGen allele CA279491568.